The following is an entry in ClinVar:

ClinVar aggregate classification (germline): Likely benign. Review status: criteria provided, multiple submitters, no conflicts (2 of 4 stars). 2 submissions from 2 submitters: Likely benign (2). Last evaluated 2026-02-19.

Conditions:
GLI3-related disorder. Also called: GLI3-related disorders; GLI3-related condition. Identifiers: MedGen CN239292.
Inborn genetic diseases. Identifiers: MedGen C0950123, MeSH D030342.

Allele frequency attached by ClinVar (database versions not stated): ExAC 0.00004; TOPMed 0.00005; gnomAD 0.00008; gnomAD exomes 0.00015.
gnomAD v4.1: 225 of 1,608,414 alleles (0.014%); highest among the groups gnomAD compares: Non-Finnish European, 0.019%; no homozygotes.

Submissions (2):

PreventionGenetics, part of Exact Sciences
Classification: Likely benign for GLI3-related condition. Last evaluated: 2026-02-19. Review status: criteria provided, single submitter. Criteria: ACMG Guidelines, 2015. Collection method: clinical testing. Allele origin: germline.
Comment: This variant is classified as likely benign based on ACMG/AMP sequence variant interpretation guidelines (Richards et al. 2015 PMID: 25741868, with internal and published modifications).

Ambry Genetics
Classification: Likely benign for Inborn genetic diseases. Last evaluated: 2023-04-28. Review status: criteria provided, single submitter. Criteria: Ambry Variant Classification Scheme 2023. Collection method: clinical testing. Allele origin: germline.

NM_000168.6(GLI3):c.3620G>A (p.Ser1207Asn)

Gene: GLI3 (GLI family zinc finger 3; minus strand). Cytogenetic location: 7p14.1.
Variant type: single nucleotide variant.
Coding change: c.3620G>A on transcript NM_000168.6 (MANE Select); coding-DNA position 3620, G replaced by A.
Protein change: p.Ser1207Asn; replaces serine 1207 with asparagine.
Molecular consequence: missense variant.
Genome position (GRCh38, 1-based): chr7:41,965,453, C>T on the plus strand (G>A on the coding strand, the complement: GLI3 is on the minus strand). VCF-style: chr7-41965453-C-T. GRCh37 (hg19) VCF-style: chr7-42005051-C-T.
Other names: short protein forms S1207N.
Identifiers: ClinVar variation 2564244 (VCV002564244.3), dbSNP rs771236755, ClinGen allele CA4230319.